The following is an entry in ClinVar:

ClinVar aggregate classification (germline): Conflicting classifications of pathogenicity. Review status: criteria provided, conflicting classifications (1 of 4 stars). 9 submissions from 8 submitters: Uncertain significance (5); Benign (1); Likely benign (3). Last evaluated 2026-06-30.

Conditions:
Cardiovascular phenotype. Identifiers: MedGen CN230736.
Hypercholesterolemia, autosomal dominant, type B (FHCL2). Also called: Familial Hypercholesterolemia Type B; Hyperlipoproteinemia Type IIb; APOLIPOPROTEIN B-100, FAMILIAL DEFECTIVE; APOLIPOPROTEIN B-100, FAMILIAL LIGAND-DEFECTIVE; APOB-Related Familial Hypercholesterolemia, Autosomal Dominant; HYPERCHOLESTEROLEMIA, FAMILIAL, DUE TO LIGAND-DEFECTIVE APOLIPOPROTEIN B. Identifiers: MedGen C1704417, MONDO:0007751, OMIM 144010.
Familial hypobetalipoproteinemia 1. Also called: APOB-Related Familial Hypobetalipoproteinemia; Hypobetalipoproteinemia, normotriglyceridemic; Acanthocytosis with hypobetalipoproteinemia. Identifiers: MedGen C4551990, MONDO:0014252, OMIM 615558.
Hypercholesterolemia, familial, 1. Also called: LDL RECEPTOR DISORDER; Hyperlipoproteinemia Type IIa; HYPER-LOW-DENSITY-LIPOPROTEINEMIA; HYPERCHOLESTEROLEMIC XANTHOMATOSIS, FAMILIAL; Fredrickson type IIa hyperlipoproteinemia; Hyperlipoproteinemia type 2. Identifiers: Orphanet 391665, MedGen C0745103, MONDO:0007750, OMIM 143890.
Familial hypercholesterolemia. Also called: Familial hypercholesterolemias; Familial hypercholesterolaemia. Identifiers: MedGen C0020445, MONDO:0005439.

Allele frequency attached by ClinVar (database versions not stated): gnomAD 0.00001 and 0.00013; TOPMed 0.00002; ExAC 0.00041; gnomAD exomes 0.00044; 1000 Genomes Project 0.00080; 1000 Genomes Project 30x 0.00094.

Submissions (9):

Cambridge Genomics Laboratory, East Genomic Laboratory Hub, NHS Genomic Medicine Service
Classification: Uncertain significance for Familial hypercholesterolaemia. Last evaluated: 2026-06-30. Review status: criteria provided, single submitter. Criteria: ACGS Best Practice Guidelines for Variant Classification in Rare Disease 2020. Collection method: clinical testing. Allele origin: germline. Affected: yes.
Comment: BS1_Strong

Labcorp Genetics (formerly Invitae), Labcorp
Classification: Likely benign for Familial hypobetalipoproteinemia 1; Hypercholesterolemia, autosomal dominant, type B. Last evaluated: 2026-01-08. Review status: criteria provided, single submitter. Criteria: Invitae Variant Classification Sherloc (09022015). Collection method: clinical testing. Allele origin: germline.

Quest Diagnostics Nichols Institute San Juan Capistrano
Classification: Uncertain significance. Last evaluated: 2025-08-05. Review status: criteria provided, single submitter. Criteria: Quest Diagnostics criteria. Collection method: clinical testing. Allele origin: unknown.
Comment: The APOB c.11356C>T (p.Leu3786Phe) variant has not been reported in individuals with APOB-related conditions in the published literature. The frequency of this variant in the general population (Genome Aggregation Database) is higher than would generally be expected for pathogenic variants in this gene. Analysis of this variant using bioinformatics tools for the prediction of the effect of amino acid changes on protein structure and function yielded conflicting predictions that this variant is benign or damaging. Based on the available information, we are unable to determine the clinical significance of this variant.

Blueprint Genetics
Classification: Likely benign. Last evaluated: 2024-08-17. Review status: criteria provided, single submitter. Criteria: ACMG Guidelines, 2015. Collection method: clinical testing. Allele origin: germline.

Ambry Genetics
Classification: Benign for Cardiovascular phenotype. Last evaluated: 2022-12-29. Review status: criteria provided, single submitter. Criteria: Ambry Variant Classification Scheme 2023. Collection method: clinical testing. Allele origin: germline.

GeneDx
Classification: Uncertain significance. Last evaluated: 2019-11-15. Review status: criteria provided, single submitter. Criteria: GeneDx Variant Classification Process June 2021. Collection method: clinical testing. Allele origin: germline. Affected: yes.
Comment: Has not been previously published as pathogenic or benign to our knowledge; Reported as a variant of uncertain significance and a likely benign variant by other clinical laboratories in ClinVar (ClinVar Variant ID# 548034; Landrum et al., 2016); In silico analysis, which includes protein predictors and evolutionary conservation, supports a deleterious effect

Robarts Research Institute, Western University
Classification: Uncertain significance for Hypercholesterolemia, familial, 1. Last evaluated: 2018-01-02. Review status: criteria provided, single submitter. Criteria: ACMG Guidelines, 2015. Collection method: clinical testing. Allele origin: germline. Inheritance: Autosomal dominant inheritance. Affected: yes.

Illumina Laboratory Services, Illumina
Classification: Uncertain significance for Familial hypobetalipoproteinemia 1. Last evaluated: 2017-04-27. Review status: criteria provided, single submitter. Criteria: ICSL Variant Classification Criteria 13 December 2019. Collection method: clinical testing. Allele origin: germline.

Illumina Laboratory Services, Illumina
Classification: Likely benign for Hypercholesterolemia, autosomal dominant, type B. Last evaluated: 2017-04-27. Review status: criteria provided, single submitter. Criteria: ICSL Variant Classification Criteria 13 December 2019. Collection method: clinical testing. Allele origin: germline.
Comment: This variant was observed as part of a predisposition screen in an ostensibly healthy population. A literature search was performed for the gene, cDNA change, and amino acid change (where applicable). No publications were found based on this search. Allele frequency data from public databases allowed determination this variant is unlikely to cause disease. Therefore, this variant is classified as likely benign.

Literature cited by the submitters: PubMed 39271758 (cited by Quest Diagnostics Nichols Institute San Juan Capistrano).

NM_000384.3(APOB):c.11356C>T (p.Leu3786Phe)

Gene: APOB (apolipoprotein B; minus strand). Cytogenetic location: 2p24.1.
Variant type: single nucleotide variant.
Coding change: c.11356C>T on transcript NM_000384.3 (MANE Select); coding-DNA position 11356, C replaced by T.
Protein change: p.Leu3786Phe; replaces leucine 3786 with phenylalanine.
Molecular consequence: missense variant.
Genome position (GRCh38, 1-based): chr2:21,005,512, G>A on the plus strand (C>T on the coding strand, the complement: APOB is on the minus strand). VCF-style: chr2-21005512-G-A. GRCh37 (hg19) VCF-style: chr2-21228384-G-A.
Other names: short protein forms L3786F.
Identifiers: ClinVar variation 548034 (VCV000548034.25), dbSNP rs571485213, ClinGen allele CA046405.